The following is an entry in ClinVar:

ClinVar aggregate classification (germline): Benign. Review status: criteria provided, multiple submitters, no conflicts (2 of 4 stars). 4 submissions from 4 submitters: Benign (3). 1 of the submissions does not count toward it. Last evaluated 2026-02-01.

Allele frequency attached by ClinVar (database versions not stated): ESP Exome Variant Server 0.01061; gnomAD 0.01180 and 0.01223; TOPMed 0.01219; ExAC 0.01524; gnomAD exomes 0.01631 and 0.01461; 1000 Genomes Project 30x 0.01421; 1000 Genomes Project 0.01458.

Submissions (4):

Labcorp Genetics (formerly Invitae), Labcorp
Classification: Benign. Last evaluated: 2026-02-01. Review status: criteria provided, single submitter. Criteria: Invitae Variant Classification Sherloc (09022015). Collection method: clinical testing. Allele origin: germline.

GeneDx
Classification: Benign. Last evaluated: 2016-01-25. Review status: criteria provided, single submitter. Criteria: GeneDx Variant Classification (06012015). Collection method: clinical testing. Allele origin: germline. Affected: yes.
Comment: This variant is considered likely benign or benign based on one or more of the following criteria: it is a conservative change, it occurs at a poorly conserved position in the protein, it is predicted to be benign by multiple in silico algorithms, and/or has population frequency not consistent with disease.

Breakthrough Genomics
Classification: Benign. Review status: criteria provided, single submitter. Criteria: ACMG Guidelines, 2015. Collection method: not provided. Allele origin: germline. Inheritance: Autosomal recessive inheritance. Affected: yes.

Mayo Clinic Laboratories, Mayo Clinic
Classification: Uncertain significance. Last evaluated: 2016-02-22. Review status: no assertion criteria provided. Collection method: clinical testing. Allele origin: unknown. Not counted in ClinVar's aggregate classification.

NM_007208.4(MRPL3):c.782T>C (p.Met261Thr)

Gene: MRPL3 (mitochondrial ribosomal protein L3; minus strand). Cytogenetic location: 3q22.1.
Variant type: single nucleotide variant.
Coding change: c.782T>C on transcript NM_007208.4 (MANE Select); coding-DNA position 782, T replaced by C.
Protein change: p.Met261Thr; replaces methionine 261 with threonine.
Molecular consequence: missense variant.
Genome position (GRCh38, 1-based): chr3:131,469,730, A>G on the plus strand (T>C on the coding strand, the complement: MRPL3 is on the minus strand). VCF-style: chr3-131469730-A-G. GRCh37 (hg19) VCF-style: chr3-131188574-A-G.
Other names: short protein forms M261T.
Identifiers: ClinVar variation 382151 (VCV000382151.15), dbSNP rs2291381, ClinGen allele CA2616945.
Genomic context (GRCh38, chr3:131,469,730, plus strand): 5'-TAAAAAGAACCACTTGTAACACTTACTTTCAGTCCATATTCTGTCCTGTATATGTTTCCC[A>G]TTTTTCCAGGCATTTTAGTTCCAGGCCAGACTCTGCCAATATCCTAAATGAGAAAACTAA-3'
Protein context (NP_009139.1, residues 251-271): VWPGTKMPGK[Met261Thr]GNIYRTEYGL